The following is an entry in ClinVar:

NM_004120.5(GBP2):c.105G>A (p.Thr35=)

Genes: GBP2 (guanylate binding protein 2; minus strand), LOC122094860 (Sharpr-MPRA regulatory region 4932; plus strand). Cytogenetic location: 1p22.2.
Variant type: single nucleotide variant.
Coding change: c.105G>A on transcript NM_004120.5 (MANE Select); coding-DNA position 105, G replaced by A.
Protein change: p.Thr35=; no amino-acid change (threonine 35 retained).
Molecular consequence: synonymous variant.
Genome position (GRCh38, 1-based): chr1:89,121,862, C>T on the plus strand (G>A on the coding strand, the complement: GBP2 is on the minus strand). VCF-style: chr1-89121862-C-T. GRCh37 (hg19) VCF-style: chr1-89587545-C-T.
Identifiers: ClinVar variation 2638919 (VCV002638919.24), dbSNP rs140687152, ClinGen allele CA940695.

ClinVar aggregate classification (germline): Likely benign (1 of 4 stars; one submission).

Allele frequency attached by ClinVar (database versions not stated): gnomAD exomes 0.00004; ExAC 0.00020; gnomAD 0.00025; TOPMed 0.00031; ESP Exome Variant Server 0.00046.
gnomAD v4.1: 268 of 1,614,030 alleles (0.017%); highest among the groups gnomAD compares: East Asian, 0.06%; 17 homozygotes.

Submission:

CeGaT Center for Human Genetics Tuebingen
Classification: Likely benign. Last evaluated: 2023-03-01. Review status: criteria provided, single submitter. Criteria: CeGaT Center For Human Genetics Tuebingen Variant Classification Criteria Version 2. Collection method: clinical testing. Allele origin: germline. Affected: yes. Observed: 1 variant allele.
Comment: GBP2: BP4, BP7